The following is an entry in ClinVar:

ClinVar aggregate classification (germline): Benign (1 of 4 stars; one submission).

Conditions:
Sorsby fundus dystrophy (SFD). Also called: MACULAR DYSTROPHY, HEMORRHAGIC; Sorsby fundus dystrophy, Lavia type; FUNDUS DYSTROPHY, PSEUDOINFLAMMATORY, OF SORSBY. Identifiers: Orphanet 59181, MedGen C1850938, MONDO:0007640, OMIM 136900.

Allele frequency attached by ClinVar (database versions not stated): gnomAD 0.00003 and 0.00009; TOPMed 0.00003; 1000 Genomes Project 30x 0.00094; 1000 Genomes Project 0.00120.

Submission:

Illumina Laboratory Services, Illumina
Classification: Benign for Sorsby fundus dystrophy. Last evaluated: 2018-01-13. Review status: criteria provided, single submitter. Criteria: ICSL Variant Classification Criteria 13 December 2019. Collection method: clinical testing. Allele origin: germline.
Comment: This variant was observed in the ICSL laboratory as part of a predisposition screen in an ostensibly healthy population. It had not been previously curated by ICSL or reported in the Human Gene Mutation Database (HGMD: prior to June 1st, 2018), and was therefore a candidate for classification through an automated scoring system. Utilizing variant allele frequency, disease prevalence and penetrance estimates, and inheritance mode, an automated score was calculated to assess if this variant is too frequent to cause the disease. Based on the score and internal cut-off values, a variant classified as benign is not then subjected to further curation. The score for this variant resulted in a classification of benign for this disease.

NM_000362.5(TIMP3):c.*1717A>G

Genes: SYN3 (synapsin III; minus strand), TIMP3 (TIMP metallopeptidase inhibitor 3; plus strand). Cytogenetic location: 22q12.3.
Variant type: single nucleotide variant.
Coding change: c.*1717A>G on transcript NM_000362.5 (MANE Select); 1717 bases downstream of the stop codon, A replaced by G.
Molecular consequence: 3 prime UTR variant. On other transcripts: intron variant (7).
Genome position (GRCh38, 1-based): chr22:32,861,094, A>G. VCF-style: chr22-32861094-A-G. GRCh37 (hg19) VCF-style: chr22-33257081-A-G.
Other names: c.708+3821T>C (NM_001369909.1, NM_001135774.2, NM_001369910.1); c.711+3821T>C (NM_001369907.1, NM_003490.4, NM_001369908.1 and 1 more transcripts).
Identifiers: ClinVar variation 341370 (VCV000341370.5), dbSNP rs146493766, ClinGen allele CA10651173.
Genomic context (GRCh38, chr22:32,861,094, plus strand): 5'-GTGGGGGTTGGCAGGATGGTGACATTGAACATGATTGCTCTCTGTCTCTTTTTTCAGCTT[A>G]TGGGTATTTATCTTCTATTAGTATTTGTATCTTCAGTTCATTCCACTTTAGGAAACAGAG-3'